The following is an entry in ClinVar:

NM_024057.4(NUP37):c.156+7C>A

Gene: NUP37 (nucleoporin 37; minus strand). Cytogenetic location: 12q23.2.
Variant type: single nucleotide variant.
Coding change: c.156+7C>A on transcript NM_024057.4 (MANE Select); 7 bases into the intron after coding-DNA position 156, C replaced by A.
Molecular consequence: intron variant.
Genome position (GRCh38, 1-based): chr12:102,118,356, G>T on the plus strand (C>A on the coding strand, the complement: NUP37 is on the minus strand). VCF-style: chr12-102118356-G-T. GRCh37 (hg19) VCF-style: chr12-102512134-G-T.
Identifiers: ClinVar variation 3039022 (VCV003039022.2), dbSNP rs757069966, ClinGen allele CA6747791.

ClinVar aggregate classification (germline): Likely benign (0 of 4 stars; one submission).

Conditions:
NUP37-related disorder. Also called: NUP37-related condition.

Allele frequency attached by ClinVar (database versions not stated): TOPMed 0.00003; gnomAD 0.00004.
gnomAD v4.1: 45 of 1,609,534 alleles (0.0028%); highest among the groups gnomAD compares: East Asian, 0.06%; no homozygotes.

Submission:

PreventionGenetics, part of Exact Sciences
Classification: Likely benign for NUP37-related condition. Last evaluated: 2019-03-27. Review status: no assertion criteria provided. Collection method: clinical testing. Allele origin: germline.
Comment: This variant is classified as likely benign based on ACMG/AMP sequence variant interpretation guidelines (Richards et al. 2015 PMID: 25741868, with internal and published modifications).